The following is an entry in ClinVar:

ClinVar aggregate classification (germline): Conflicting classifications of pathogenicity. Review status: criteria provided, conflicting classifications (1 of 4 stars). 2 submissions from 2 submitters: Likely pathogenic (1); Uncertain significance (1). Last evaluated 2025-06-24.

Conditions:
RHO-related disorder. Also called: RHO-related condition.

Submissions (2):

Labcorp Genetics (formerly Invitae), Labcorp
Classification: Uncertain significance. Last evaluated: 2025-06-24. Review status: criteria provided, single submitter. Criteria: Invitae Variant Classification Sherloc (09022015). Collection method: clinical testing. Allele origin: germline.
Comment: This sequence change replaces asparagine, which is neutral and polar, with aspartic acid, which is acidic and polar, at codon 15 of the RHO protein (p.Asn15Asp). This variant is not present in population databases (gnomAD no frequency). This variant has not been reported in the literature in individuals affected with RHO-related conditions. ClinVar contains an entry for this variant (Variation ID: 2124182). Invitae Evidence Modeling of protein sequence and biophysical properties (such as structural, functional, and spatial information, amino acid conservation, physicochemical variation, residue mobility, and thermodynamic stability) indicates that this missense variant is expected to disrupt RHO protein function with a positive predictive value of 95%. In summary, the available evidence is currently insufficient to determine the role of this variant in disease. Therefore, it has been classified as a Variant of Uncertain Significance.

Blueprint Genetics
Classification: Likely pathogenic for RHO-related disorders. Last evaluated: 2021-09-01. Review status: criteria provided, single submitter. Criteria: ACMG Guidelines, 2015. Collection method: clinical testing. Allele origin: germline. Affected: yes. Observed: 1 variant allele.

NM_000539.3(RHO):c.43A>G (p.Asn15Asp)

Gene: RHO (rhodopsin; plus strand). Cytogenetic location: 3q22.1.
Variant type: single nucleotide variant.
Coding change: c.43A>G on transcript NM_000539.3 (MANE Select); coding-DNA position 43, A replaced by G.
Protein change: p.Asn15Asp; replaces asparagine 15 with aspartic acid.
Molecular consequence: missense variant.
Genome position (GRCh38, 1-based): chr3:129,528,776, A>G. VCF-style: chr3-129528776-A-G. GRCh37 (hg19) VCF-style: chr3-129247619-A-G.
Other names: short protein forms N15D.
Identifiers: ClinVar variation 2124182 (VCV002124182.5), dbSNP rs2533019441, ClinGen allele CA354495323.
Genomic context (GRCh38, chr3:129,528,776, plus strand): 5'-GCCACAAGGGCCACAGCCATGAATGGCACAGAAGGCCCTAACTTCTACGTGCCCTTCTCC[A>G]ATGCGACGGGTGTGGTACGCAGCCCCTTCGAGTACCCACAGTACTACCTGGCTGAGCCAT-3'
Protein context (NP_000530.1, residues 5-25): EGPNFYVPFS[Asn15Asp]ATGVVRSPFE